The following is an entry in ClinVar:

NM_016239.4(MYO15A):c.10534_*156del (p.Leu3512_Ter3531del)

Gene: MYO15A (myosin XVA; plus strand). Cytogenetic location: 17p11.2.
Variant type: Deletion.
Coding change: c.10534_*156del on transcript NM_016239.4 (MANE Select); coding-DNA position 10534 through 156 bases downstream of the stop codon, 216 bases deleted.
Protein change: p.Leu3512_Ter3531del.
Molecular consequence: stop lost.
Genome position (GRCh38, 1-based): chr17:18,178,811-18,179,026, 216 bases deleted. GRCh37 (hg19): chr17:18,082,125-18,082,340.
Identifiers: ClinVar variation 3724401 (VCV003724401.2).

ClinVar aggregate classification (germline): Uncertain significance (1 of 4 stars; one submission).

Submission:

Labcorp Genetics (formerly Invitae), Labcorp
Classification: Uncertain significance. Last evaluated: 2024-12-12. Review status: criteria provided, single submitter. Criteria: Invitae Variant Classification Sherloc (09022015). Collection method: clinical testing. Allele origin: germline.
Comment: This variant results in the deletion of part of exon 66 (c.10534_*156del) of the MYO15A gene. While this is not anticipated to result in nonsense mediated decay, it is expected to disrupt the last 19 amino acid(s) of the MYO15A protein. This variant is not present in population databases (gnomAD no frequency). This variant has been observed in individual(s) with deafness (internal data). In at least one individual the data is consistent with being in trans (on the opposite chromosome) from a pathogenic variant. Experimental studies and prediction algorithms are not available or were not evaluated, and the functional significance of this variant is currently unknown. In summary, the available evidence is currently insufficient to determine the role of this variant in disease. Therefore, it has been classified as a Variant of Uncertain Significance.